The following is an entry in ClinVar:

NM_000642.3(AGL):c.3700+1G>A

Gene: AGL (amylo-alpha-1,6-glucosidase and 4-alpha-glucanotransferase; plus strand). Cytogenetic location: 1p21.2.
Variant type: single nucleotide variant.
Coding change: c.3700+1G>A on transcript NM_000642.3 (MANE Select); the canonical splice donor site of the intron after coding-DNA position 3700, G replaced by A.
Molecular consequence: splice donor variant.
Genome position (GRCh38, 1-based): chr1:99,902,795, G>A. VCF-style: chr1-99902795-G-A. GRCh37 (hg19) VCF-style: chr1-100368351-G-A.
Other names: c.3700+1G>A (NM_000643.3, NM_000644.3, NM_001425325.1 and 1 more transcripts); c.3652+1G>A (NM_000646.3); c.3679+1G>A (NM_001425326.1); c.3499+1G>A (NM_001425327.1); c.3496+1G>A (NM_001425328.1); c.3361+1G>A (NM_001425329.1); c.3322+1G>A (NM_001425332.1).
Identifiers: ClinVar variation 1468502 (VCV001468502.8), dbSNP rs2100825216, ClinGen allele CA341335408.

ClinVar aggregate classification (germline): Likely pathogenic (1 of 4 stars; one submission).

Conditions:
Glycogen storage disease type III (GSD3). Also called: Cori disease; FORBES DISEASE. Identifiers: Orphanet 366, MedGen C0017922, MONDO:0009291, OMIM 232400.

Submission:

Labcorp Genetics (formerly Invitae), Labcorp
Classification: Likely pathogenic for Glycogen storage disease type III. Last evaluated: 2023-05-01. Review status: criteria provided, single submitter. Criteria: Invitae Variant Classification Sherloc (09022015). Collection method: clinical testing. Allele origin: germline.
Comment: This sequence change affects a donor splice site in intron 27 of the AGL gene. It is expected to disrupt RNA splicing. Variants that disrupt the donor or acceptor splice site typically lead to a loss of protein function (PMID: 16199547), and loss-of-function variants in AGL are known to be pathogenic (PMID: 19299494). This variant is not present in population databases (gnomAD no frequency). In summary, the currently available evidence indicates that the variant is pathogenic, but additional data are needed to prove that conclusively. Therefore, this variant has been classified as Likely Pathogenic. Algorithms developed to predict the effect of sequence changes on RNA splicing suggest that this variant may disrupt the consensus splice site. ClinVar contains an entry for this variant (Variation ID: 1468502). Disruption of this splice site has been observed in individual(s) with glycogen storage disease (PMID: 26984562).

Literature cited by the submitters: PubMed 16199547; PubMed 19299494; PubMed 26984562.